The following is an entry in ClinVar:

NM_004958.4(MTOR):c.6533del (p.Asn2178fs)

Gene: MTOR (mechanistic target of rapamycin kinase; minus strand). Cytogenetic location: 1p36.22.
Variant type: Deletion.
Coding change: c.6533del on transcript NM_004958.4 (MANE Select); coding-DNA position 6533, one base deleted (A; older notation c.6533delA).
Protein change: p.Asn2178fs; shifts the reading frame from asparagine 2178.
Molecular consequence: frameshift variant.
Genome position (GRCh38, 1-based): chr1:11,124,627, T deleted on the plus strand (A on the coding strand, the reverse complement: MTOR is on the minus strand); the first of 2 consecutive T bases (chr1:11,124,627-11,124,628); deleting either gives the same sequence. VCF-style (leftmost placement, unchanged base first): chr1-11124626-GT-G. GRCh37 (hg19) VCF-style: chr1-11184683-GT-G.
Other names: c.6533del, p.Asn2178fs (NM_001386500.1); c.5285del, p.Asn1762fs (NM_001386501.1); short protein forms N1762fs, N2178fs.
Identifiers: ClinVar variation 3713729 (VCV003713729.2).

ClinVar aggregate classification (germline): Uncertain significance (1 of 4 stars; one submission).

Submission:

Labcorp Genetics (formerly Invitae), Labcorp
Classification: Uncertain significance. Last evaluated: 2024-04-08. Review status: criteria provided, single submitter. Criteria: Invitae Variant Classification Sherloc (09022015). Collection method: clinical testing. Allele origin: germline.
Comment: This sequence change creates a premature translational stop signal (p.Asn2178Thrfs*9) in the MTOR gene. It is expected to result in an absent or disrupted protein product. However, the current clinical and genetic evidence is not sufficient to establish whether loss-of-function variants in MTOR cause disease. This variant is not present in population databases (gnomAD no frequency). This variant has not been reported in the literature in individuals affected with MTOR-related conditions. In summary, the available evidence is currently insufficient to determine the role of this variant in disease. Therefore, it has been classified as a Variant of Uncertain Significance.